The following is an entry in ClinVar:

NM_002473.6(MYH9):c.1064A>G (p.Lys355Arg)

Gene: MYH9 (myosin heavy chain 9; minus strand). Cytogenetic location: 22q12.3.
Variant type: single nucleotide variant.
Coding change: c.1064A>G on transcript NM_002473.6 (MANE Select); coding-DNA position 1064, A replaced by G.
Protein change: p.Lys355Arg; replaces lysine 355 with arginine.
Molecular consequence: missense variant.
Genome position (GRCh38, 1-based): chr22:36,319,584, T>C on the plus strand (A>G on the coding strand, the complement: MYH9 is on the minus strand). VCF-style: chr22-36319584-T-C. GRCh37 (hg19) VCF-style: chr22-36715629-T-C.
Other names: short protein forms K355R.
Identifiers: ClinVar variation 4764814 (VCV004764814.1).

ClinVar aggregate classification (germline): Uncertain significance (1 of 4 stars; one submission).

gnomAD v4.1: 1 of 1,614,162 alleles (0.000062%); highest among the groups gnomAD compares: Non-Finnish European, 0.000085%; no homozygotes.

Submission:

Labcorp Genetics (formerly Invitae), Labcorp
Classification: Uncertain significance. Last evaluated: 2025-12-19. Review status: criteria provided, single submitter. Criteria: Invitae Variant Classification Sherloc (09022015). Collection method: clinical testing. Allele origin: germline.
Comment: This sequence change replaces lysine, which is basic and polar, with arginine, which is basic and polar, at codon 355 of the MYH9 protein (p.Lys355Arg). This variant is not present in population databases (gnomAD no frequency). This variant has not been reported in the literature in individuals affected with MYH9-related conditions. Invitae Evidence Modeling of protein sequence and biophysical properties (such as structural, functional, and spatial information, amino acid conservation, physicochemical variation, residue mobility, and thermodynamic stability) indicates that this missense variant is not expected to disrupt MYH9 protein function with a negative predictive value of 95%. In summary, the available evidence is currently insufficient to determine the role of this variant in disease. Therefore, it has been classified as a Variant of Uncertain Significance.